The following is an entry in ClinVar:

ClinVar aggregate classification (germline): Uncertain significance (1 of 4 stars; one submission).

Allele frequency attached by ClinVar (database versions not stated): ExAC 0.00001; gnomAD exomes 0.00001.
gnomAD v4.1: 12 of 1,613,942 alleles (0.00074%); highest among the groups gnomAD compares: South Asian, 0.0011%; no homozygotes.

Submission:

Labcorp Genetics (formerly Invitae), Labcorp
Classification: Uncertain significance. Last evaluated: 2023-10-13. Review status: criteria provided, single submitter. Criteria: Invitae Variant Classification Sherloc (09022015). Collection method: clinical testing. Allele origin: germline.
Comment: This sequence change replaces tyrosine, which is neutral and polar, with phenylalanine, which is neutral and non-polar, at codon 90 of the NFKB1 protein (p.Tyr90Phe). This variant is present in population databases (rs764399130, gnomAD 0.003%). This variant has not been reported in the literature in individuals affected with NFKB1-related conditions. Advanced modeling of protein sequence and biophysical properties (such as structural, functional, and spatial information, amino acid conservation, physicochemical variation, residue mobility, and thermodynamic stability) performed at Invitae indicates that this missense variant is not expected to disrupt NFKB1 protein function. In summary, the available evidence is currently insufficient to determine the role of this variant in disease. Therefore, it has been classified as a Variant of Uncertain Significance.

NM_003998.4(NFKB1):c.269A>T (p.Tyr90Phe)

Gene: NFKB1 (nuclear factor kappa B subunit 1; plus strand). Cytogenetic location: 4q24.
Variant type: single nucleotide variant.
Coding change: c.269A>T on transcript NM_003998.4 (MANE Select); coding-DNA position 269, A replaced by T.
Protein change: p.Tyr90Phe; replaces tyrosine 90 with phenylalanine.
Molecular consequence: missense variant.
Genome position (GRCh38, 1-based): chr4:102,566,997, A>T. VCF-style: chr4-102566997-A-T. GRCh37 (hg19) VCF-style: chr4-103488154-A-T.
Other names: c.266A>T, p.Tyr89Phe (NM_001165412.2, NM_001319226.2, NM_001382627.1); c.269A>T, p.Tyr90Phe (NM_001382625.1, NM_001382626.1); c.227A>T, p.Tyr76Phe (NM_001382628.1); short protein forms Y76F, Y89F, Y90F.
Identifiers: ClinVar variation 2970085 (VCV002970085.3), dbSNP rs764399130, ClinGen allele CA3025855.